The following is an entry in ClinVar:

NM_001370259.2(MEN1):c.814C>T (p.His272Tyr)

Gene: MEN1 (menin 1; minus strand). Cytogenetic location: 11q13.1.
Variant type: single nucleotide variant.
Coding change: c.814C>T on transcript NM_001370259.2 (MANE Select); coding-DNA position 814, C replaced by T.
Protein change: p.His272Tyr; replaces histidine 272 with tyrosine.
Molecular consequence: missense variant. On other transcripts: non-coding transcript variant (4).
Genome position (GRCh38, 1-based): chr11:64,807,189, G>A on the plus strand (C>T on the coding strand, the complement: MEN1 is on the minus strand). VCF-style: chr11-64807189-G-A. GRCh37 (hg19) VCF-style: chr11-64574661-G-A.
Other names: c.829C>T, p.His277Tyr (NM_000244.4, NM_001407145.1, NM_001407150.1 and 5 more transcripts); c.814C>T, p.His272Tyr (NM_001370251.2, NM_001370260.2, NM_001370261.2 and 7 more transcripts); c.709C>T, p.His237Tyr (NM_001370262.2, NM_001370263.2, NM_001407148.1 and 2 more transcripts); short protein forms H277Y, H237Y, H272Y.
Identifiers: ClinVar variation 2455620 (VCV002455620.3), dbSNP rs149783078, ClinGen allele CA223914993.

ClinVar aggregate classification (germline): Uncertain significance. Review status: criteria provided, single submitter (1 of 4 stars). 2 submissions from 2 submitters: Uncertain significance (1). 1 of the submissions does not count toward it. Last evaluated 2023-01-24.

Conditions:
Hereditary cancer-predisposing syndrome. Also called: Neoplastic Syndromes, Hereditary; Hereditary neoplastic syndrome; Tumor predisposition; Hereditary Cancer Syndrome. Identifiers: Orphanet 140162, MedGen C0027672, MeSH D009386, MONDO:0015356.
MEN1-related disorder. Also called: MEN1-related condition.

Allele frequency attached by ClinVar (database versions not stated): ESP Exome Variant Server 0.00008.

Submissions (2):

Ambry Genetics
Classification: Uncertain significance for Hereditary cancer-predisposing syndrome. Last evaluated: 2023-01-24. Review status: criteria provided, single submitter. Criteria: Ambry Variant Classification Scheme 2023. Collection method: clinical testing. Allele origin: germline.
Comment: The p.H272Y variant (also known as c.814C>T), located in coding exon 4 of the MEN1 gene, results from a C to T substitution at nucleotide position 814. The histidine at codon 272 is replaced by tyrosine, an amino acid with similar properties. This amino acid position is well conserved in available vertebrate species. In addition, the in silico prediction for this alteration is inconclusive. Since supporting evidence is limited at this time, the clinical significance of this alteration remains unclear.

PreventionGenetics, part of Exact Sciences
Classification: Uncertain significance for MEN1-related condition. Last evaluated: 2024-08-10. Review status: no assertion criteria provided. Collection method: clinical testing. Allele origin: germline. Not counted in ClinVar's aggregate classification.
Comment: The MEN1 c.829C>T variant is predicted to result in the amino acid substitution p.His277Tyr. To our knowledge, this variant has not been reported in the literature or in a large population database, indicating this variant is rare. At this time, the clinical significance of this variant is uncertain due to the absence of conclusive functional and genetic evidence.